The following is an entry in ClinVar:

NM_182641.4(BPTF):c.5695G>A (p.Ala1899Thr)

Gene: BPTF (bromodomain PHD finger transcription factor; plus strand). Cytogenetic location: 17q24.2.
Variant type: single nucleotide variant.
Coding change: c.5695G>A on transcript NM_182641.4 (MANE Select); coding-DNA position 5695, G replaced by A.
Protein change: p.Ala1899Thr; replaces alanine 1899 with threonine.
Molecular consequence: missense variant.
Genome position (GRCh38, 1-based): chr17:67,922,977, G>A. VCF-style: chr17-67922977-G-A. GRCh37 (hg19) VCF-style: chr17-65919093-G-A.
Other names: c.6073G>A, p.Ala2025Thr (NM_004459.7); short protein forms A1899T, A2025T.
Identifiers: ClinVar variation 2572725 (VCV002572725.1), dbSNP rs1200835530, ClinGen allele CA400734125.

ClinVar aggregate classification (germline): Uncertain significance (1 of 4 stars; one submission).

Allele frequency attached by ClinVar (database versions not stated): gnomAD exomes below 0.00001.
gnomAD v4.1: 2 of 1,613,682 alleles (0.00012%); highest among the groups gnomAD compares: Admixed American, 0.0017%; no homozygotes.

Submission:

GeneDx
Classification: Uncertain significance. Last evaluated: 2023-01-13. Review status: criteria provided, single submitter. Criteria: GeneDx Variant Classification Process June 2021. Collection method: clinical testing. Allele origin: germline. Affected: yes.
Comment: In silico analysis supports that this missense variant has a deleterious effect on protein structure/function; Has not been previously published as pathogenic or benign to our knowledge